The following is an entry in ClinVar:

ClinVar aggregate classification (germline): Uncertain significance. Review status: criteria provided, multiple submitters, no conflicts (2 of 4 stars). 2 submissions from 2 submitters: Uncertain significance (2). Last evaluated 2024-02-13.

Conditions:
Cardiovascular phenotype. Identifiers: MedGen CN230736.
Hereditary cancer-predisposing syndrome. Also called: Hereditary neoplastic syndrome; Tumor predisposition; Neoplastic Syndromes, Hereditary; Hereditary Cancer Syndrome. Identifiers: Orphanet 140162, MedGen C0027672, MeSH D009386, MONDO:0015356.
Neurofibromatosis, type 1 (NF1). Also called: VON RECKLINGHAUSEN DISEASE; NEUROFIBROMATOSIS, TYPE I, SOMATIC; Peripheral type neurofibromatosis; Neurofibromatosis, type I. Identifiers: Orphanet 636, MedGen C0027831, MONDO:0018975, OMIM 162200. Disease mechanism: loss of function.

Allele frequency attached by ClinVar (database versions not stated): TOPMed below 0.00001.

Submissions (2):

Ambry Genetics
Classification: Uncertain significance for Cardiovascular phenotype; Hereditary cancer-predisposing syndrome. Last evaluated: 2024-02-13. Review status: criteria provided, single submitter. Criteria: Ambry Variant Classification Scheme 2023. Collection method: clinical testing. Allele origin: germline.
Comment: The p.D618E variant (also known as c.1854T>G), located in coding exon 17 of the NF1 gene, results from a T to G substitution at nucleotide position 1854. The aspartic acid at codon 618 is replaced by glutamic acid, an amino acid with highly similar properties. This amino acid position is conserved. In addition, this alteration is predicted to be tolerated by in silico analysis. Based on the available evidence, the clinical significance of this alteration remains unclear.

Labcorp Genetics (formerly Invitae), Labcorp
Classification: Uncertain significance for Neurofibromatosis, type 1. Last evaluated: 2019-07-30. Review status: criteria provided, single submitter. Criteria: Invitae Variant Classification Sherloc (09022015). Collection method: clinical testing. Allele origin: germline.
Comment: This variant is not present in population databases (ExAC no frequency). This variant has not been reported in the literature in individuals with NF1-related conditions. Algorithms developed to predict the effect of missense changes on protein structure and function (SIFT, PolyPhen-2, Align-GVGD) all suggest that this variant is likely to be tolerated, but these predictions have not been confirmed by published functional studies and their clinical significance is uncertain. In summary, the available evidence is currently insufficient to determine the role of this variant in disease. Therefore, it has been classified as a Variant of Uncertain Significance. This sequence change replaces aspartic acid with glutamic acid at codon 618 of the NF1 protein (p.Asp618Glu). The aspartic acid residue is moderately conserved and there is a small physicochemical difference between aspartic acid and glutamic acid.

NM_001042492.3(NF1):c.1854T>G (p.Asp618Glu)

Gene: NF1 (neurofibromin 1; plus strand). Cytogenetic location: 17q11.2.
Variant type: single nucleotide variant.
Coding change: c.1854T>G on transcript NM_001042492.3 (MANE Select); coding-DNA position 1854, T replaced by G.
Protein change: p.Asp618Glu; replaces aspartic acid 618 with glutamic acid.
Molecular consequence: missense variant.
Genome position (GRCh38, 1-based): chr17:31,225,103, T>G. VCF-style: chr17-31225103-T-G. GRCh37 (hg19) VCF-style: chr17-29552121-T-G.
Other names: c.1854T>G, p.Asp618Glu (NM_000267.4); short protein forms D618E.
Identifiers: ClinVar variation 950182 (VCV000950182.7), dbSNP rs1184750227, ClinGen allele CA399005037.